The following is an entry in ClinVar:

ClinVar aggregate classification (germline): Uncertain significance. Review status: criteria provided, multiple submitters, no conflicts (2 of 4 stars). 2 submissions from 2 submitters: Uncertain significance (2). Last evaluated 2024-05-14.

Conditions:
Bardet-Biedl syndrome 16 (BBS16). Identifiers: Orphanet 110, MedGen C3889474, MONDO:0014444, OMIM 615993.
Senior-Loken syndrome 7 (SLSN7). Identifiers: Orphanet 3156, MedGen C3150877, MONDO:0013326, OMIM 613615.

Allele frequency attached by ClinVar (database versions not stated): gnomAD exomes below 0.00001; ExAC 0.00001; gnomAD 0.00001; TOPMed 0.00002.
gnomAD v4.1: 3 of 1,491,252 alleles (0.0002%); highest among the groups gnomAD compares: Non-Finnish European, 0.00028%; no homozygotes.

Submissions (2):

Fulgent Genetics
Classification: Uncertain significance for Senior-Loken syndrome 7; Bardet-Biedl syndrome 16. Last evaluated: 2024-05-14. Review status: criteria provided, single submitter. Criteria: ACMG Guidelines, 2015. Collection method: clinical testing. Allele origin: germline.

Labcorp Genetics (formerly Invitae), Labcorp
Classification: Uncertain significance for Bardet-Biedl syndrome 16; Senior-Loken syndrome 7. Last evaluated: 2022-01-18. Review status: criteria provided, single submitter. Criteria: Invitae Variant Classification Sherloc (09022015). Collection method: clinical testing. Allele origin: germline.
Comment: This sequence change falls in intron 4 of the SDCCAG8 gene. It does not directly change the encoded amino acid sequence of the SDCCAG8 protein. It affects a nucleotide within the consensus splice site. In summary, the available evidence is currently insufficient to determine the role of this variant in disease. Therefore, it has been classified as a Variant of Uncertain Significance. Variants that disrupt the consensus splice site are a relatively common cause of aberrant splicing (PMID: 17576681, 9536098). Algorithms developed to predict the effect of sequence changes on RNA splicing suggest that this variant may disrupt the consensus splice site. This variant has not been reported in the literature in individuals affected with SDCCAG8-related conditions. This variant is present in population databases (rs771328242, gnomAD 0.0009%).

Literature cited by the submitters: PubMed 17576681 (cited by Labcorp Genetics (formerly Invitae), Labcorp); PubMed 9536098 (cited by Labcorp Genetics (formerly Invitae), Labcorp).

NM_006642.5(SDCCAG8):c.420+5G>A

Gene: SDCCAG8 (SHH signaling and ciliogenesis regulator SDCCAG8; plus strand). Cytogenetic location: 1q43.
Variant type: single nucleotide variant.
Coding change: c.420+5G>A on transcript NM_006642.5 (MANE Select); 5 bases into the intron after coding-DNA position 420, G replaced by A.
Molecular consequence: intron variant.
Genome position (GRCh38, 1-based): chr1:243,274,661, G>A. VCF-style: chr1-243274661-G-A. GRCh37 (hg19) VCF-style: chr1-243437963-G-A.
Other names: c.126+5G>A (NM_001350249.2); c.-954+5G>A (NM_001350251.2); c.420+5G>A (NM_001350248.2); c.-693+5G>A (NM_001350246.2); c.-581+5G>A (NM_001350247.2).
Identifiers: ClinVar variation 2087427 (VCV002087427.4), dbSNP rs771328242, ClinGen allele CA1483298.